The following is an entry in ClinVar:

NM_001127222.2(CACNA1A):c.6752A>G (p.Glu2251Gly)

Genes: CACNA1A (calcium voltage-gated channel subunit alpha1 A; minus strand), LOC130063717 (ATAC-STARR-seq lymphoblastoid silent region 10203; plus strand). Cytogenetic location: 19p13.13.
Variant type: single nucleotide variant.
Coding change: c.6752A>G on transcript NM_001127222.2 (MANE Select); coding-DNA position 6752, A replaced by G.
Protein change: p.Glu2251Gly; replaces glutamic acid 2251 with glycine.
Molecular consequence: missense variant.
Genome position (GRCh38, 1-based): chr19:13,208,784, T>C on the plus strand (A>G on the coding strand, the complement: CACNA1A is on the minus strand). VCF-style: chr19-13208784-T-C. GRCh37 (hg19) VCF-style: chr19-13319598-T-C.
Other names: c.6770A>G, p.Glu2257Gly (NM_000068.4, NM_023035.3); c.6755A>G, p.Glu2252Gly (NM_001127221.2); c.6761A>G, p.Glu2254Gly (NM_001174080.2); short protein forms E2251G, E2252G, E2254G, E2257G.
Identifiers: ClinVar variation 2499356 (VCV002499356.5), dbSNP rs2054679712, ClinGen allele CA404329422.

ClinVar aggregate classification (germline): Uncertain significance. Review status: criteria provided, multiple submitters, no conflicts (2 of 4 stars). 2 submissions from 2 submitters: Uncertain significance (2). Last evaluated 2025-12-15.

Conditions:
Developmental and epileptic encephalopathy, 42 (DEE42A). Also called: EPILEPTIC ENCEPHALOPATHY, EARLY INFANTILE, 42A; DEVELOPMENTAL AND EPILEPTIC ENCEPHALOPATHY 42A; Epileptic encephalopathy, early infantile, 42. Identifiers: MedGen C4310716, MONDO:0014917, OMIM 617106.
Episodic ataxia type 2 (EA2). Also called: ATAXIA, EPISODIC, WITH NYSTAGMUS; ATAXIA, FAMILIAL PAROXYSMAL; CEREBELLAR ATAXIA, PAROXYSMAL, ACETAZOLAMIDE-RESPONSIVE; CEREBELLOPATHY, HEREDITARY PAROXYSMAL; EPISODIC ATAXIA, NYSTAGMUS-ASSOCIATED; ACETAZOLAMIDE-RESPONSIVE HEREDITARY PAROXYSMAL CEREBELLAR ATAXIA. Identifiers: Orphanet 97, MedGen C1720416, MONDO:0007163, OMIM 108500.

Allele frequency attached by ClinVar (database versions not stated): TOPMed below 0.00001; gnomAD 0.00001.
gnomAD v4.1: 1 of 1,542,032 alleles (0.000065%); highest among the groups gnomAD compares: Admixed American, 0.0018%; no homozygotes.

Submissions (2):

Labcorp Genetics (formerly Invitae), Labcorp
Classification: Uncertain significance for Developmental and epileptic encephalopathy, 42; Episodic ataxia type 2. Last evaluated: 2025-12-15. Review status: criteria provided, single submitter. Criteria: Invitae Variant Classification Sherloc (09022015). Collection method: clinical testing. Allele origin: germline.
Comment: This sequence change replaces glutamic acid, which is acidic and polar, with glycine, which is neutral and non-polar, at codon 2252 of the CACNA1A protein (p.Glu2252Gly). This variant is not present in population databases (gnomAD no frequency). This variant has not been reported in the literature in individuals affected with CACNA1A-related conditions. ClinVar contains an entry for this variant (Variation ID: 2499356). Invitae Evidence Modeling of protein sequence and biophysical properties (such as structural, functional, and spatial information, amino acid conservation, physicochemical variation, residue mobility, and thermodynamic stability) indicates that this missense variant is not expected to disrupt CACNA1A protein function with a negative predictive value of 95%. In summary, the available evidence is currently insufficient to determine the role of this variant in disease. Therefore, it has been classified as a Variant of Uncertain Significance.

GeneDx
Classification: Uncertain significance. Last evaluated: 2025-04-17. Review status: criteria provided, single submitter. Criteria: GeneDx Variant Classification Process June 2021. Collection method: clinical testing. Allele origin: germline.
Comment: Not observed at significant frequency in large population cohorts (gnomAD); In silico analysis supports that this missense variant has a deleterious effect on protein structure/function; Has not been previously published as pathogenic or benign to our knowledge